The following is an entry in ClinVar:

ClinVar aggregate classification (germline): Uncertain significance. Review status: criteria provided, multiple submitters, no conflicts (2 of 4 stars). 2 submissions from 2 submitters: Uncertain significance (2). Last evaluated 2024-11-18.

Conditions:
Hereditary cancer-predisposing syndrome. Also called: Neoplastic Syndromes, Hereditary; Tumor predisposition; Hereditary neoplastic syndrome; Hereditary Cancer Syndrome. Identifiers: Orphanet 140162, MedGen C0027672, MeSH D009386, MONDO:0015356.
Cardiovascular phenotype. Identifiers: MedGen CN230736.
LZTR1-related schwannomatosis. Also called: Schwannomatosis 2; Schwannomatosis-2, susceptibility to. Identifiers: Orphanet 93921, MedGen C3810283, MONDO:0014299, OMIM 615670.

Allele frequency attached by ClinVar (database versions not stated): TOPMed 0.00001.

Submissions (2):

Ambry Genetics
Classification: Uncertain significance for Cardiovascular phenotype; Hereditary cancer-predisposing syndrome. Last evaluated: 2024-11-18. Review status: criteria provided, single submitter. Criteria: Ambry Variant Classification Scheme 2023. Collection method: clinical testing. Allele origin: germline.
Comment: The p.M613I variant (also known as c.1839G>C), located in coding exon 16 of the LZTR1 gene, results from a G to C substitution at nucleotide position 1839. The methionine at codon 613 is replaced by isoleucine, an amino acid with highly similar properties. This amino acid position is conserved. In addition, the in silico prediction for this alteration is inconclusive. Based on the available evidence, the clinical significance of this variant remains unclear.

Baylor Genetics
Classification: Uncertain significance for LZTR1-related schwannomatosis. Last evaluated: 2024-02-22. Review status: criteria provided, single submitter. Criteria: ACMG Guidelines, 2015. Collection method: clinical testing. Allele origin: unknown.

NM_006767.4(LZTR1):c.1839G>C (p.Met613Ile)

Gene: LZTR1 (leucine zipper like post translational regulator 1; plus strand). Cytogenetic location: 22q11.21.
Variant type: single nucleotide variant.
Coding change: c.1839G>C on transcript NM_006767.4 (MANE Select); coding-DNA position 1839, G replaced by C.
Protein change: p.Met613Ile; replaces methionine 613 with isoleucine.
Molecular consequence: missense variant.
Genome position (GRCh38, 1-based): chr22:20,994,923, G>C. VCF-style: chr22-20994923-G-C. GRCh37 (hg19) VCF-style: chr22-21349212-G-C.
Other names: c.1839G>C (NM_006767.3); short protein forms M613I.
Identifiers: ClinVar variation 3241858 (VCV003241858.2), dbSNP rs973214079.